The following is an entry in ClinVar:

NM_000138.5(FBN1):c.4640C>T (p.Thr1547Ile)

Gene: FBN1 (fibrillin 1; minus strand). Cytogenetic location: 15q21.1.
Variant type: single nucleotide variant.
Coding change: c.4640C>T on transcript NM_000138.5 (MANE Select); coding-DNA position 4640, C replaced by T.
Protein change: p.Thr1547Ile; replaces threonine 1547 with isoleucine.
Molecular consequence: missense variant.
Genome position (GRCh38, 1-based): chr15:48,468,045, G>A on the plus strand (C>T on the coding strand, the complement: FBN1 is on the minus strand). VCF-style: chr15-48468045-G-A. GRCh37 (hg19) VCF-style: chr15-48760242-G-A.
Other names: NM_000138.5(FBN1):c.4640C>T; short protein forms T1547I.
Identifiers: ClinVar variation 42367 (VCV000042367.75), dbSNP rs183306990, ClinGen allele CA015264.

ClinVar aggregate classification (germline): Benign. Review status: reviewed by expert panel (3 of 4 stars). 13 submissions from 13 submitters: Benign (1). 12 of the submissions do not count toward it. Last evaluated 2023-06-15.

Conditions:
Familial thoracic aortic aneurysm and aortic dissection (TAAD). Also called: Thoracic aortic aneurysms and dissections. Identifiers: Orphanet 91387, MedGen C4707243, MONDO:0019625.
Marfan syndrome (MFS). Also called: Marfan syndrome type 1; Marfan's syndrome; MARFAN SYNDROME, TYPE I; Marfan syndrome, classic; FBN1-Related Marfan Syndrome. Identifiers: Orphanet 284963, Orphanet 558, MedGen C0024796, MONDO:0007947, OMIM 154700.
FBN1-related disorder. Also called: FBN1-related disorders.

Allele frequency attached by ClinVar (database versions not stated): ExAC 0.00002; gnomAD exomes 0.00002; gnomAD 0.00027 and 0.00030; 1000 Genomes Project 30x 0.00031; 1000 Genomes Project 0.00040; TOPMed 0.00071.
gnomAD v4.1: 82 of 1,614,156 alleles (0.0051%); highest among the groups gnomAD compares: Admixed American, 0.098%; no homozygotes.

Submissions (13):

ClinGen FBN1 Variant Curation Expert Panel, ClinGen
Classification: Benign for Marfan syndrome. Last evaluated: 2023-06-15. Review status: reviewed by expert panel. Criteria: Assertion Criteria VCEP FBN1 Version 1. Collection method: curation. Allele origin: germline. Inheritance: Autosomal dominant inheritance.
Comment: The NM_00138 c.4640C>T, is a missense variant in FBN1 predicted to cause a substitution of a threonine by isoleucine at amino acid 1547 (p.Thr1547Ile). This variant was found one proband with Marfan syndrome (PMID 24793577) and in three apparently unrelated probands with features of Marfan syndrome (PMID 24793577, internal data). This variant was also identified in an individual with features of Marfan syndrome but no diagnosis who also carried a pathogenic variant in FBN1, c.3193delG p.Glu1065Lysfs*23 (PMID 29543232). The variant in FBN1 has been reported 17 times in ClinVar: 6 times as uncertain significance and 11 times as likely benign (Variation ID: 42367). This variant has been identified in 37 individuals of Latino/Admixed American origin in gnomAD v3.1.2 (MAF: 0.24%) (BA1). Computational prediction tools and conservation analysis are unclear on the predicted impact on the protein (REVEL: 0.375). The constraint z-score for missense variants affecting FBN1 is 5.06, however due to the presence of benign arguments PP2 cannot be used. In summary, this variant meets criteria to be classified as benign for Marfan syndrome based on the ACMG/AMP criteria applied, as specified by the ClinGen FBN1 VCEP: BA1.

Women's Health and Genetics/Laboratory Corporation of America, LabCorp
Classification: Likely benign. Last evaluated: 2026-02-09. Review status: criteria provided, single submitter. Criteria: LabCorp Variant Classification Summary - May 2015. Collection method: clinical testing. Allele origin: germline. Not counted in ClinVar's aggregate classification.
Comment: Variant summary: FBN1 c.4640C>T (p.Thr1547Ile) results in a non-conservative amino acid change located in the TGF-beta binding (TB) domain (IPR017878) of the encoded protein sequence. Three of five in-silico tools predict a benign effect of the variant on protein function. The variant allele was found at a frequency of 5.1e-05 in 1614156 control chromosomes, predominantly at a frequency of 0.00098 within the Latino subpopulation in the gnomAD database (gnomAD v4.1.0). The observed variant frequency within Latino control individuals in the gnomAD database is approximately 8.7 fold of the estimated maximal expected allele frequency for a pathogenic variant in FBN1 causing Marfan Syndrome phenotype (0.00011). The variant was also reported in a patient with aortic aneurysm who also carried a truncating FBN1 variant (FBN1 c.3193delG, p.Glu1065fsX23) that could explain the phenotype (Weerakkody_2018). To our knowledge, no experimental evidence demonstrating an impact on protein function has been reported. The following publications have been ascertained in the context of this evaluation (PMID: 24793577, 29543232). ClinVar contains an entry for this variant (Variation ID: 42367). Based on the evidence outlined above, the variant was classified as likely benign.

Labcorp Genetics (formerly Invitae), Labcorp
Classification: Likely benign for Marfan syndrome; Familial thoracic aortic aneurysm and aortic dissection. Last evaluated: 2026-01-31. Review status: criteria provided, single submitter. Criteria: Invitae Variant Classification Sherloc (09022015). Collection method: clinical testing. Allele origin: germline. Not counted in ClinVar's aggregate classification.

Ambry Genetics
Classification: Uncertain significance for Familial thoracic aortic aneurysm and aortic dissection. Last evaluated: 2025-06-25. Review status: criteria provided, single submitter. Criteria: Ambry Variant Classification Scheme 2023. Collection method: clinical testing. Allele origin: germline. Not counted in ClinVar's aggregate classification.
Comment: The p.T1547I variant (also known as c.4640C>T), located in coding exon 37 of the FBN1 gene, results from a C to T substitution at nucleotide position 4640. The threonine at codon 1547 is replaced by isoleucine, an amino acid with similar properties. This alteration has been reported in a subject with features of Marfan syndrome (Lerner-Ellis JP et al. Mol Genet Metab, 2014 Jun;112:171-6). This amino acid position is not well conserved in available vertebrate species. In addition, the in silico prediction for this alteration is inconclusive. Since supporting evidence is limited at this time, the clinical significance of this alteration remains unclear.

Blueprint Genetics
Classification: Likely benign. Last evaluated: 2024-10-07. Review status: criteria provided, single submitter. Criteria: ACMG Guidelines, 2015. Collection method: clinical testing. Allele origin: germline. Not counted in ClinVar's aggregate classification.

All of Us Research Program, National Institutes of Health
Classification: Uncertain significance for Marfan syndrome. Last evaluated: 2024-09-23. Review status: criteria provided, single submitter. Criteria: ACMG Guidelines, 2015. Collection method: clinical testing. Allele origin: germline. Inheritance: Autosomal dominant inheritance. Observed: 73 variant alleles, 73 heterozygotes. Not counted in ClinVar's aggregate classification.
Comment: This missense variant replaces threonine with isoleucine at codon 1547 of the FBN1 protein. Computational prediction suggests that this variant may not impact protein structure and function (internally defined REVEL score threshold <= 0.5, PMID: 27666373). To our knowledge, functional studies have not been performed for this variant. This variant has been reported in an individual with suspected Marfan syndrome (PMID: 24793577) and in an individual with aneurysm of the thoracic aorta (PMID: 29543232). This variant has been identified in 9/282682 chromosomes in the general population by the Genome Aggregation Database (gnomAD). The available evidence is insufficient to determine the role of this variant in disease conclusively. Therefore, this variant is classified as a Variant of Uncertain Significance.

This study involves interpretation of variants in research participants for the purpose of population health screening. Participant phenotype was not available at the time of variant classification. Additional details can be found in publication PMID: 35346344, PMCID: PMC8962531

Color Diagnostics, LLC DBA Color Health
Classification: Uncertain significance for Familial thoracic aortic aneurysm and aortic dissection. Last evaluated: 2024-03-07. Review status: criteria provided, single submitter. Criteria: ACMG Guidelines, 2015. Collection method: clinical testing. Allele origin: germline. Not counted in ClinVar's aggregate classification.
Comment: This missense variant replaces threonine with isoleucine at codon 1547 of the FBN1 protein. Computational prediction suggests that this variant may not impact protein structure and function (internally defined REVEL score threshold <= 0.5, PMID: 27666373). To our knowledge, functional studies have not been performed for this variant. This variant has been reported in an individual with suspected Marfan syndrome (PMID: 24793577) and in an individual with aneurysm of the thoracic aorta (PMID: 29543232). This variant has been identified in 9/282682 chromosomes in the general population by the Genome Aggregation Database (gnomAD). The available evidence is insufficient to determine the role of this variant in disease conclusively. Therefore, this variant is classified as a Variant of Uncertain Significance.

Laboratory for Molecular Medicine, Mass General Brigham Personalized Medicine
Classification: Benign. Last evaluated: 2024-01-16. Review status: criteria provided, single submitter. Criteria: ACMG Guidelines, 2015. Collection method: clinical testing. Allele origin: germline. Not counted in ClinVar's aggregate classification.
Comment: The p.Thr1547Ile variant in FBN1 is classified as benign because it has been identified in 0.2% (37/15268) of Admixed American chromosomes by gnomAD (v.3.1.2). This variant was classified as Benign on Jun 15, 2023 by the ClinGen-approved FBN1 Variant Curation expert panel (Variation ID 42367). ACMG/AMP Criteria applied: BA1.

PreventionGenetics, part of Exact Sciences
Classification: Uncertain significance for FBN1-related condition. Last evaluated: 2023-02-21. Review status: criteria provided, single submitter. Criteria: ACMG Guidelines, 2015. Collection method: clinical testing. Allele origin: germline. Not counted in ClinVar's aggregate classification.
Comment: The FBN1 c.4640C>T variant is predicted to result in the amino acid substitution p.Thr1547Ile. This variant has been reported in individuals with Marfan syndrome or features of Marfan syndrome (Tables S1 and S6, Lerner-Ellis et al. 2014. PubMed ID: 24793577; Supplementary Tables, Weerakkody et al. 2018. PubMed ID: 29543232; Table S1, Baudhuin et al. 2019. PubMed ID: 31227806). This variant is reported in 0.014% of alleles in individuals of Latino descent in gnomAD and has conflicting interpretations regarding its pathogenicity in ClinVar, raning from uncertain significance to likely benign. At this time, the clinical significance of this variant is uncertain due to the absence of conclusive functional and genetic evidence.

CeGaT Center for Human Genetics Tuebingen
Classification: Uncertain significance. Last evaluated: 2021-04-01. Review status: criteria provided, single submitter. Criteria: CeGaT Center For Human Genetics Tuebingen Variant Classification Criteria Version 2. Collection method: clinical testing. Allele origin: germline. Affected: yes. Observed: 1 variant allele. Not counted in ClinVar's aggregate classification.

GeneDx
Classification: Likely benign. Last evaluated: 2021-03-26. Review status: criteria provided, single submitter. Criteria: GeneDx Variant Classification Process June 2021. Collection method: clinical testing. Allele origin: germline. Affected: yes. Not counted in ClinVar's aggregate classification.
Comment: This variant is associated with the following publications: (PMID: 31227806, 29543232, 24793577)

Mayo Clinic Laboratories, Mayo Clinic
Classification: Uncertain significance. Last evaluated: 2019-04-15. Review status: criteria provided, single submitter. Criteria: ACMG Guidelines, 2015. Collection method: clinical testing. Allele origin: germline. Observed: 2 variant alleles. Not counted in ClinVar's aggregate classification.

Center for Human Genetics, Inc
Classification: Uncertain significance for Marfan syndrome. Last evaluated: 2016-11-01. Review status: criteria provided, single submitter. Criteria: ACMG Guidelines, 2015. Collection method: clinical testing. Allele origin: germline. Affected: yes. Not counted in ClinVar's aggregate classification.

Literature cited by the submitters: PubMed 24793577 (cited by 4 submitters); PubMed 29543232 (cited by 4 submitters); PubMed 31227806 (cited by Ambry Genetics).